The following is an entry in ClinVar:

ClinVar aggregate classification (germline): Uncertain significance (1 of 4 stars; one submission).

Conditions:
Polyhydramnios, megalencephaly, and symptomatic epilepsy (PMSE). Also called: PMSE SYNDROME. Identifiers: Orphanet 500533, MedGen C1970203, MONDO:0012611, OMIM 611087.

Allele frequency attached by ClinVar (database versions not stated): gnomAD exomes below 0.00001.
gnomAD v4.1: 6 of 1,613,752 alleles (0.00037%); highest among the groups gnomAD compares: Non-Finnish European, 0.00042%; no homozygotes.

Submission:

Labcorp Genetics (formerly Invitae), Labcorp
Classification: Uncertain significance for Polyhydramnios, megalencephaly, and symptomatic epilepsy. Last evaluated: 2022-07-05. Review status: criteria provided, single submitter. Criteria: Invitae Variant Classification Sherloc (09022015). Collection method: clinical testing. Allele origin: germline.
Comment: In summary, the available evidence is currently insufficient to determine the role of this variant in disease. Therefore, it has been classified as a Variant of Uncertain Significance. Algorithms developed to predict the effect of missense changes on protein structure and function are either unavailable or do not agree on the potential impact of this missense change (SIFT: "Tolerated"; PolyPhen-2: "Probably Damaging"; Align-GVGD: "Class C0"). ClinVar contains an entry for this variant (Variation ID: 1375054). This variant has not been reported in the literature in individuals affected with STRADA-related conditions. This variant is present in population databases (no rsID available, gnomAD 0.0009%). This sequence change replaces alanine, which is neutral and non-polar, with proline, which is neutral and non-polar, at codon 258 of the STRADA protein (p.Ala258Pro).

NM_001003787.4(STRADA):c.772G>C (p.Ala258Pro)

Gene: STRADA (STE20 related adaptor alpha; minus strand). Cytogenetic location: 17q23.3.
Variant type: single nucleotide variant.
Coding change: c.772G>C on transcript NM_001003787.4 (MANE Select); coding-DNA position 772, G replaced by C.
Protein change: p.Ala258Pro; replaces alanine 258 with proline.
Molecular consequence: missense variant. On other transcripts: non-coding transcript variant (1).
Genome position (GRCh38, 1-based): chr17:63,706,721, C>G on the plus strand (G>C on the coding strand, the complement: STRADA is on the minus strand). VCF-style: chr17-63706721-C-G. GRCh37 (hg19) VCF-style: chr17-61784081-C-G.
Other names: c.661G>C, p.Ala221Pro (NM_001003786.3, NM_001363789.1, NM_153335.6); c.598G>C, p.Ala200Pro (NM_001003788.3, NM_001363790.1, NM_001363791.1); c.685G>C, p.Ala229Pro (NM_001165969.2, NM_001363787.1); c.640G>C, p.Ala214Pro (NM_001165970.2); c.748G>C, p.Ala250Pro (NM_001363786.1); c.772G>C, p.Ala258Pro (NM_001363788.1); short protein forms A214P, A250P, A258P, A200P, A221P, A229P.
Identifiers: ClinVar variation 1375054 (VCV001375054.6), dbSNP rs1463290994, ClinGen allele CA400590993.